The following is an entry in ClinVar:

ClinVar aggregate classification (germline): Uncertain significance (1 of 4 stars; one submission).

Conditions:
Mosaic variegated aneuploidy syndrome 1 (MVA1). Also called: Warburton-Anyane-Yeboa syndrome. Identifiers: Orphanet 1052, MedGen C1850343, MONDO:0009759, OMIM 257300.

gnomAD v4.1: 1 of 1,614,130 alleles (0.000062%); highest among the groups gnomAD compares: Non-Finnish European, 0.000085%; no homozygotes.

Submission:

Labcorp Genetics (formerly Invitae), Labcorp
Classification: Uncertain significance for Mosaic variegated aneuploidy syndrome 1. Last evaluated: 2024-02-03. Review status: criteria provided, single submitter. Criteria: Invitae Variant Classification Sherloc (09022015). Collection method: clinical testing. Allele origin: germline.
Comment: This sequence change replaces leucine, which is neutral and non-polar, with serine, which is neutral and polar, at codon 964 of the BUB1B protein (p.Leu964Ser). This variant is not present in population databases (gnomAD no frequency). This variant has not been reported in the literature in individuals affected with BUB1B-related conditions. An algorithm developed to predict the effect of missense changes on protein structure and function (PolyPhen-2) suggests that this variant is likely to be disruptive. In summary, the available evidence is currently insufficient to determine the role of this variant in disease. Therefore, it has been classified as a Variant of Uncertain Significance.

NM_001211.6(BUB1B):c.2891T>C (p.Leu964Ser)

Genes: BUB1B (BUB1 mitotic checkpoint serine/threonine kinase B; plus strand), BUB1B-PAK6 (BUB1B-PAK6 readthrough; plus strand). Cytogenetic location: 15q15.1.
Variant type: single nucleotide variant.
Coding change: c.2891T>C on transcript NM_001211.6 (MANE Select); coding-DNA position 2891, T replaced by C.
Protein change: p.Leu964Ser; replaces leucine 964 with serine.
Molecular consequence: missense variant. On other transcripts: intron variant (2).
Genome position (GRCh38, 1-based): chr15:40,218,496, T>C. VCF-style: chr15-40218496-T-C. GRCh37 (hg19) VCF-style: chr15-40510697-T-C.
Other names: c.-201+829T>C (NM_001128628.3); c.-118+829T>C (NM_001128629.3); short protein forms L964S.
Identifiers: ClinVar variation 3712556 (VCV003712556.2).
Genomic context (GRCh38, chr15:40,218,496, plus strand): 5'-GGTGCTTTTTGTGATTTCAGGTAGACCTGTTTGGTATAGCAGATTTAGCACATTTACTAT[T>C]GTTCAAGGAACACCTACAGGTCTTCTGGGATGGGTCCTTCTGGAAACTTAGCCAAAATAT-3'
Protein context (NP_001202.5, residues 954-974): FGIADLAHLL[Leu964Ser]FKEHLQVFWD